The following is an entry in ClinVar:

ClinVar aggregate classification (germline): Uncertain significance (1 of 4 stars; one submission).

Submission:

GeneDx
Classification: Uncertain significance. Last evaluated: 2026-03-03. Review status: criteria provided, single submitter. Criteria: GeneDx Variant Classification Process June 2021. Collection method: clinical testing. Allele origin: germline.
Comment: Not observed at significant frequency in large population cohorts (gnomAD); In silico analysis suggests that this missense variant does not alter protein structure/function; Has not been previously published as pathogenic or benign to our knowledge

NM_003458.4(BSN):c.11082G>C (p.Lys3694Asn)

Gene: BSN (bassoon presynaptic cytomatrix protein; plus strand). Cytogenetic location: 3p21.31.
Variant type: single nucleotide variant.
Coding change: c.11082G>C on transcript NM_003458.4 (MANE Select); coding-DNA position 11082, G replaced by C.
Protein change: p.Lys3694Asn; replaces lysine 3694 with asparagine.
Molecular consequence: missense variant.
Genome position (GRCh38, 1-based): chr3:49,663,240, G>C. VCF-style: chr3-49663240-G-C. GRCh37 (hg19) VCF-style: chr3-49700673-G-C.
Other names: short protein forms K3694N.
Identifiers: ClinVar variation 5008229 (VCV005008229.1).